The following is an entry in ClinVar:

NM_001270974.2(HYDIN):c.3374A>T (p.Lys1125Met)

Gene: HYDIN (HYDIN axonemal central pair apparatus protein; minus strand). Cytogenetic location: 16q22.2.
Variant type: single nucleotide variant.
Coding change: c.3374A>T on transcript NM_001270974.2 (MANE Select); coding-DNA position 3374, A replaced by T.
Protein change: p.Lys1125Met; replaces lysine 1125 with methionine.
Molecular consequence: missense variant.
Genome position (GRCh38, 1-based): chr16:71,018,399, T>A on the plus strand (A>T on the coding strand, the complement: HYDIN is on the minus strand). VCF-style: chr16-71018399-T-A. GRCh37 (hg19) VCF-style: chr16-71052302-T-A.
Other names: short protein forms K1125M.
Identifiers: ClinVar variation 2646780 (VCV002646780.24), dbSNP rs79123258, ClinGen allele CA283522141.

ClinVar aggregate classification (germline): Likely benign (1 of 4 stars; one submission).

Allele frequency attached by ClinVar (database versions not stated): gnomAD exomes 0.00050.

Submission:

CeGaT Center for Human Genetics Tuebingen
Classification: Likely benign. Last evaluated: 2025-04-01. Review status: criteria provided, single submitter. Criteria: CeGaT Center For Human Genetics Tuebingen Variant Classification Criteria Version 2. Collection method: clinical testing. Allele origin: germline. Affected: yes. Observed: 4 variant alleles.
Comment: HYDIN: BP4, BS1